The following is an entry in ClinVar:

ClinVar aggregate classification (germline): Uncertain significance (1 of 4 stars; one submission).

Conditions:
Cardiovascular phenotype. Identifiers: MedGen CN230736.

gnomAD v4.1: 1 of 1,613,786 alleles (0.000062%); highest among the groups gnomAD compares: Non-Finnish European, 0.000085%; no homozygotes.

Submission:

Ambry Genetics
Classification: Uncertain significance for Cardiovascular phenotype. Last evaluated: 2024-12-31. Review status: criteria provided, single submitter. Criteria: Ambry Variant Classification Scheme 2023. Collection method: clinical testing. Allele origin: germline.
Comment: The p.N548S variant (also known as c.1643A>G), located in coding exon 9 of the MYPN gene, results from an A to G substitution at nucleotide position 1643. The asparagine at codon 548 is replaced by serine, an amino acid with highly similar properties. This amino acid position is conserved. In addition, this alteration is predicted to be tolerated by in silico analysis. Based on the available evidence, the clinical significance of this variant remains unclear.

NM_032578.4(MYPN):c.1643A>G (p.Asn548Ser)

Gene: MYPN (myopalladin; plus strand). Cytogenetic location: 10q21.3.
Variant type: single nucleotide variant.
Coding change: c.1643A>G on transcript NM_032578.4 (MANE Select); coding-DNA position 1643, A replaced by G.
Protein change: p.Asn548Ser; replaces asparagine 548 with serine.
Molecular consequence: missense variant. On other transcripts: non-coding transcript variant (2).
Genome position (GRCh38, 1-based): chr10:68,166,336, A>G. VCF-style: chr10-68166336-A-G. GRCh37 (hg19) VCF-style: chr10-69926093-A-G.
Other names: c.1643A>G, p.Asn548Ser (NM_001256267.2); c.761A>G, p.Asn254Ser (NM_001256268.2); short protein forms N254S, N548S.
Identifiers: ClinVar variation 3877249 (VCV003877249.1).